The following is an entry in ClinVar:

NM_000545.8(HNF1A):c.1513C>A (p.His505Asn)

Gene: HNF1A (HNF1 homeobox A; plus strand). Cytogenetic location: 12q24.31.
Variant type: single nucleotide variant.
Coding change: c.1513C>A on transcript NM_000545.8 (MANE Select); coding-DNA position 1513, C replaced by A.
Protein change: p.His505Asn; replaces histidine 505 with asparagine.
Molecular consequence: missense variant.
Genome position (GRCh38, 1-based): chr12:120,999,279, C>A. VCF-style: chr12-120999279-C-A. GRCh37 (hg19) VCF-style: chr12-121437082-C-A.
Other names: NM_001306179.2:c.1513C>A; NM_000545.8(HNF1A):c.1513C>A; p.His505Asn; c.1513C>A, p.His505Asn (NM_001306179.2); short protein forms H505N.
Identifiers: ClinVar variation 1327613 (VCV001327613.12), dbSNP rs577078110, ClinGen allele CA6832097.

ClinVar aggregate classification (germline): Uncertain significance. Review status: reviewed by expert panel (3 of 4 stars). 4 submissions from 4 submitters: Uncertain significance (1). 3 of the submissions do not count toward it. Last evaluated 2025-08-05.

Conditions:
Maturity-onset diabetes of the young type 3. Also called: MODY, type III; MODY type 3. Identifiers: Orphanet 552, MedGen C1838100, MeSH C563933, MONDO:0010894, OMIM 600496. Disease mechanism: loss of function.
Type 2 diabetes mellitus. Also called: Type II diabetes mellitus. Identifiers: MedGen C0011860, MeSH D003924, MONDO:0005148, OMIM 125853, HP:0005978.
Diabetes mellitus type 1 (T1D). Also called: Diabetes Mellitus, Juvenile-Onset; Type I diabetes mellitus. Identifiers: MedGen C0011854, MONDO:0005147, OMIM 222100, HP:0100651.
Hepatic adenomas, familial. Also called: HEPATIC ADENOMA, SOMATIC; LIVER CELL ADENOMAS, FAMILIAL. Identifiers: MedGen C1840646, MONDO:0007718, OMIM 142330.
Nonpapillary renal cell carcinoma. Identifiers: Orphanet 422526, MedGen CN074294, MONDO:0007763, OMIM 144700.
Type 1 diabetes mellitus 20 (T1D20). Also called: Diabetes mellitus, insulin-dependent, 20. Identifiers: MedGen C2675866, MONDO:0012919, OMIM 612520.
Monogenic diabetes. Identifiers: Orphanet 183625, MedGen C3888631, MONDO:0015967.

Allele frequency attached by ClinVar (database versions not stated): gnomAD 0.00001 and 0.00003; TOPMed 0.00003; gnomAD exomes 0.00004 and 0.00008; ExAC 0.00011; 1000 Genomes Project 30x 0.00016; 1000 Genomes Project 0.00020.
gnomAD v4.1: 61 of 1,614,026 alleles (0.0038%); highest among the groups gnomAD compares: Middle Eastern, 0.016%; no homozygotes.

Submissions (4):

ClinGen Monogenic Diabetes Variant Curation Expert Panel
Classification: Uncertain significance for Monogenic diabetes. Last evaluated: 2025-08-05. Review status: reviewed by expert panel. Criteria: ClinGen Diabetes ACMG Specifications HNF1A V3.0.0. Collection method: curation. Allele origin: germline. Inheritance: Autosomal dominant inheritance.
Comment: The c.1513C>A variant in the HNF1 homeobox A gene, HNF1A, causes an amino acid change of histidine to asparagine at codon 505 (p.(His505Asn)) of NM_000545.8. This variant is predicted to be deleterious by computational evidence, with a REVEL score of 0.7549, which is greater than or equal to the MDEP VCEP threshold of 0.70 (PP3). Functional studies demonstrated the p.His505Asn protein has transactivation 54% of wildtype and nuclear localization 64% of WT; however, this is between the ClinGen MDEP cutoffs for PS3 and BS3 (PMID: 27899486). This variant has a Grpmax Filtering allele frequency in gnomAD v4.1.0 of 0.00003748, which is greater than the MDEP threshold for BS1 (≥0.000033) (BS1). This variant was identified in at least 7 unrelated individuals with non-autoimmune and non-absolute/near-absolute insulin-deficient diabetes; however, PS4 cannot be applied because the variant MAF in gnomAD is above the ClinGen MDEP PM2_Supporting cutoff (PMID: 31595705, PMID: 29207974, internal lab contributor). One of these individuals has a clinical history highly specific for HNF1A-monogenic diabetes (MODY probability calculator result >50%, negative genetic testing for HNF4A) (PP4; PMID: 31595705). Additionally, the variant segregated with diabetes, with 3 informative meioses in 2 families with MODY (PP1_Moderate; PMID: 31595705, internal lab contributor). This variant has also been identified in multiple normoglycemic individuals, however they are under age 70 and therefore BS2 cannot be applied (PMID: 27899486, internal lab contributor). In summary, the c.1513C>A variant meets the criteria to be classified as a variant of uncertain significance for monogenic diabetes. ACMG/AMP criteria applied, as specified by the ClinGen MDEP (specification version 3.0.0, approved 6/30/2025): BS1, PP1_Moderate, PP3, PP4.

Labcorp Genetics (formerly Invitae), Labcorp
Classification: Uncertain significance. Last evaluated: 2025-09-09. Review status: criteria provided, single submitter. Criteria: Invitae Variant Classification Sherloc (09022015). Collection method: clinical testing. Allele origin: germline. Not counted in ClinVar's aggregate classification.
Comment: This sequence change replaces histidine, which is basic and polar, with asparagine, which is neutral and polar, at codon 505 of the HNF1A protein (p.His505Asn). This variant is present in population databases (rs577078110, gnomAD 0.01%). This missense change has been observed in individual(s) with clinical features of maturity-onset diabetes of the young, diabetes mellitus, and/or unaffected individuals (PMID: 18003757, 24097065, 29207974). ClinVar contains an entry for this variant (Variation ID: 1327613). Invitae Evidence Modeling of protein sequence and biophysical properties (such as structural, functional, and spatial information, amino acid conservation, physicochemical variation, residue mobility, and thermodynamic stability) indicates that this missense variant is not expected to disrupt HNF1A protein function with a negative predictive value of 80%. Experimental studies are conflicting or provide insufficient evidence to determine the effect of this variant on HNF1A function (PMID: 27899486). In summary, the available evidence is currently insufficient to determine the role of this variant in disease. Therefore, it has been classified as a Variant of Uncertain Significance.

Mendelics
Classification: Uncertain significance. Last evaluated: 2022-05-04. Review status: criteria provided, single submitter. Criteria: Mendelics Assertion Criteria 2019. Collection method: clinical testing. Allele origin: germline. Not counted in ClinVar's aggregate classification.

Fulgent Genetics
Classification: Uncertain significance for Type 2 diabetes mellitus; Hepatic adenomas, familial; Nonpapillary renal cell carcinoma; Diabetes mellitus type 1; Maturity-onset diabetes of the young type 3; Type 1 diabetes mellitus 20. Last evaluated: 2022-03-17. Review status: criteria provided, single submitter. Criteria: ACMG Guidelines, 2015. Collection method: clinical testing. Allele origin: unknown. Not counted in ClinVar's aggregate classification.

Literature cited by the submitters: PubMed 31595705 (cited by ClinGen Monogenic Diabetes Variant Curation Expert Panel); PubMed 29207974 (cited by ClinGen Monogenic Diabetes Variant Curation Expert Panel and Labcorp Genetics (formerly Invitae), Labcorp); PubMed 18003757 (cited by Labcorp Genetics (formerly Invitae), Labcorp); PubMed 24097065 (cited by Labcorp Genetics (formerly Invitae), Labcorp); PubMed 27899486 (cited by Labcorp Genetics (formerly Invitae), Labcorp).